The following is an entry in ClinVar:

NM_000431.4(MVK):c.631+3A>G

Gene: MVK (mevalonate kinase; plus strand). Cytogenetic location: 12q24.11.
Variant type: single nucleotide variant.
Coding change: c.631+3A>G on transcript NM_000431.4 (MANE Select); 3 bases into the intron after coding-DNA position 631, A replaced by G.
Molecular consequence: intron variant.
Genome position (GRCh38, 1-based): chr12:109,586,128, A>G. VCF-style: chr12-109586128-A-G. GRCh37 (hg19) VCF-style: chr12-110023933-A-G.
Other names: c.475+3A>G (NM_001301182.2); c.631+3A>G (NM_001114185.3).
Identifiers: ClinVar variation 1042644 (VCV001042644.7), dbSNP rs1178525841, ClinGen allele CA607288007.

ClinVar aggregate classification (germline): Uncertain significance. Review status: criteria provided, multiple submitters, no conflicts (2 of 4 stars). 2 submissions from 2 submitters: Uncertain significance (2). Last evaluated 2025-12-26.

Conditions:
Hyperimmunoglobulin D with periodic fever (HIDS). Also called: Hyperimmunoglobulinemia D with periodic fever; HYPERIMMUNOGLOBULINEMIA D AND PERIODIC FEVER SYNDROME; Hyperimmunoglobulinemia D. Identifiers: Orphanet 343, MedGen C0398691, MONDO:0009849, OMIM 260920.
Mevalonic aciduria (MEVA). Identifiers: Orphanet 29, MedGen C1959626, MONDO:0012481, OMIM 610377.
Porokeratosis 3, disseminated superficial actinic type (POROK3). Also called: POROKERATOSIS 3, MULTIPLE TYPES; POROKERATOSIS 3, MIBELLI TYPE; POROKERATOSIS, DISSEMINATED SUPERFICIAL ACTINIC, 1. Identifiers: MedGen C1867981, MONDO:0008293, OMIM 175900.

Allele frequency attached by ClinVar (database versions not stated): gnomAD exomes below 0.00001 and 0.00001; gnomAD 0.00001.
gnomAD v4.1: 9 of 1,605,618 alleles (0.00056%); highest among the groups gnomAD compares: East Asian, 0.0022%; no homozygotes.

Submissions (2):

Labcorp Genetics (formerly Invitae), Labcorp
Classification: Uncertain significance for Mevalonic aciduria; Hyperimmunoglobulin D with periodic fever; Porokeratosis 3, disseminated superficial actinic type. Last evaluated: 2025-12-26. Review status: criteria provided, single submitter. Criteria: Invitae Variant Classification Sherloc (09022015). Collection method: clinical testing. Allele origin: germline.
Comment: This sequence change falls in intron 6 of the MVK gene. It does not directly change the encoded amino acid sequence of the MVK protein. It affects a nucleotide within the consensus splice site. This variant is present in population databases (no rsID available, gnomAD 0.002%). This variant has been observed in individual(s) with clinical features of MVK-related conditions (internal data). ClinVar contains an entry for this variant (Variation ID: 1042644). Variants that disrupt the consensus splice site are a relatively common cause of aberrant splicing (PMID: 17576681, 9536098). Algorithms developed to predict the effect of sequence changes on RNA splicing suggest that this variant is not likely to affect RNA splicing. In summary, the available evidence is currently insufficient to determine the role of this variant in disease. Therefore, it has been classified as a Variant of Uncertain Significance.

ARUP Laboratories, Molecular Genetics and Genomics, ARUP Laboratories
Classification: Uncertain significance. Last evaluated: 2025-06-17. Review status: criteria provided, single submitter. Criteria: ARUP Molecular Germline Variant Investigation Process 2024. Collection method: clinical testing. Allele origin: germline.
Comment: The MVK c.631+3A>G variant (rs1178525841), to our knowledge, is not reported in the medical literature but is reported in the Infevers database (see link). This variant is only observed on two alleles in the Genome Aggregation Database (v2.1.1), indicating it is not a common polymorphism. This is an intronic variant and computational analyses (Alamut Visual Plus v.1.12) predict that this variant may impact splicing by weakening the nearby canonical donor splice site. Due to limited information, the clinical significance of this variant is uncertain at this time. References: Link to Infevers database

Literature cited by the submitters: PubMed 17576681 (cited by Labcorp Genetics (formerly Invitae), Labcorp); PubMed 9536098 (cited by Labcorp Genetics (formerly Invitae), Labcorp).